The following is an entry in ClinVar:

ClinVar aggregate classification (germline): Uncertain significance. Review status: criteria provided, multiple submitters, no conflicts (2 of 4 stars). 2 submissions from 2 submitters: Uncertain significance (2). Last evaluated 2024-11-18.

Conditions:
Nephronophthisis 7 (NPHP7). Identifiers: Orphanet 655, MedGen C1969092, MONDO:0012680, OMIM 611498.
Nephronophthisis. Also called: Juvenile Nephronophthisis. Identifiers: Orphanet 655, MedGen C0687120, MONDO:0019005, HP:0000090.

Allele frequency attached by ClinVar (database versions not stated): 1000 Genomes Project 30x 0.00016; 1000 Genomes Project 0.00020.
gnomAD v4.1: 31 of 1,610,606 alleles (0.0019%); highest among the groups gnomAD compares: Admixed American, 0.013%; no homozygotes.

Submissions (2):

Labcorp Genetics (formerly Invitae), Labcorp
Classification: Uncertain significance for Nephronophthisis. Last evaluated: 2024-11-18. Review status: criteria provided, single submitter. Criteria: Invitae Variant Classification Sherloc (09022015). Collection method: clinical testing. Allele origin: germline.
Comment: This sequence change replaces proline, which is neutral and non-polar, with arginine, which is basic and polar, at codon 335 of the GLIS2 protein (p.Pro335Arg). This variant is present in population databases (rs546324394, gnomAD 0.02%). This variant has not been reported in the literature in individuals affected with GLIS2-related conditions. ClinVar contains an entry for this variant (Variation ID: 2143453). An algorithm developed to predict the effect of missense changes on protein structure and function (PolyPhen-2) suggests that this variant is likely to be disruptive. In summary, the available evidence is currently insufficient to determine the role of this variant in disease. Therefore, it has been classified as a Variant of Uncertain Significance.

Fulgent Genetics
Classification: Uncertain significance for Nephronophthisis 7. Last evaluated: 2024-02-09. Review status: criteria provided, single submitter. Criteria: ACMG Guidelines, 2015. Collection method: clinical testing. Allele origin: germline.

NM_032575.3(GLIS2):c.1004C>G (p.Pro335Arg)

Gene: GLIS2 (GLIS family zinc finger 2; plus strand). Cytogenetic location: 16p13.3.
Variant type: single nucleotide variant.
Coding change: c.1004C>G on transcript NM_032575.3 (MANE Select); coding-DNA position 1004, C replaced by G.
Protein change: p.Pro335Arg; replaces proline 335 with arginine.
Molecular consequence: missense variant.
Genome position (GRCh38, 1-based): chr16:4,336,953, C>G. VCF-style: chr16-4336953-C-G. GRCh37 (hg19) VCF-style: chr16-4386954-C-G.
Other names: c.1004C>G, p.Pro335Arg (NM_001318918.2); short protein forms P335R.
Identifiers: ClinVar variation 2143453 (VCV002143453.5), dbSNP rs546324394, ClinGen allele CA7873169.